The following is an entry in ClinVar:

ClinVar aggregate classification (germline): Conflicting classifications of pathogenicity. Review status: criteria provided, conflicting classifications (1 of 4 stars). 4 submissions from 4 submitters: Uncertain significance (1); Likely benign (1). 2 of the submissions do not count toward it. Last evaluated 2023-08-22.

Conditions:
Neurometabolic disorder due to serine deficiency. Identifiers: Orphanet 35705, MedGen C5680148, MONDO:0018162.

Submissions (19):

Department of Pathology and Laboratory Medicine, Sinai Health System
Classification: Uncertain significance for neurometabolic disorder due to serine deficiency. Last evaluated: 2023-08-22. Review status: criteria provided, single submitter. Criteria: ACMG Guidelines, 2015. Collection method: research. Allele origin: germline.

Laboratory for Molecular Medicine, Mass General Brigham Personalized Medicine
Classification: Likely benign. Last evaluated: 2016-03-29. Review status: criteria provided, single submitter. Criteria: LMM Criteria. Collection method: clinical testing. Allele origin: germline.
Comment: Variant identified in a genome or exome case(s) and assessed due to predicted null impact of the variant or pathogenic assertions in the literature or databases. Disclaimer: This variant has not undergone full assessment. The following are preliminary notes: Gene has been reported in 3-phosphoserine phosphatase deficiency and developmental delay. Limited evidence for role in disease an LOF variants.

Diagnostic Laboratory, Department of Genetics, University Medical Center Groningen
Classification: Benign. Review status: no assertion criteria provided. Collection method: clinical testing. Allele origin: germline. Affected: yes. Study: VKGL Data-share Consensus. Not counted in ClinVar's aggregate classification.

Dr. Peter K. Rogan Lab, Western University
No classification provided (evidence only). Condition: Malignant tumor of urinary bladder. Review status: no classification provided. Collection method: in vitro. Allele origin: not applicable. Functional consequence: skipped exon, retained intron. Not counted in ClinVar's aggregate classification.

Dr. Peter K. Rogan Lab, Western University
No classification provided (evidence only). Condition: Malignant tumor of urinary bladder. Review status: no classification provided. Collection method: in vitro. Allele origin: not applicable. Functional consequence: skipped exon, retained intron. Not counted in ClinVar's aggregate classification.

Dr. Peter K. Rogan Lab, Western University
No classification provided (evidence only). Condition: Familial cancer of breast. Review status: no classification provided. Collection method: in vitro. Allele origin: not applicable. Functional consequence: skipped exon. Not counted in ClinVar's aggregate classification.

Dr. Peter K. Rogan Lab, Western University
No classification provided (evidence only). Condition: Glioma susceptibility 1. Review status: no classification provided. Collection method: in vitro. Allele origin: not applicable. Functional consequence: skipped exon. Not counted in ClinVar's aggregate classification.

Dr. Peter K. Rogan Lab, Western University
No classification provided (evidence only). Condition: Clear cell carcinoma of kidney. Review status: no classification provided. Collection method: in vitro. Allele origin: not applicable. Functional consequence: skipped exon, retained intron. Not counted in ClinVar's aggregate classification.

Dr. Peter K. Rogan Lab, Western University
No classification provided (evidence only). Condition: Papillary renal cell carcinoma type 1. Review status: no classification provided. Collection method: in vitro. Allele origin: not applicable. Functional consequence: skipped exon, retained intron. Not counted in ClinVar's aggregate classification.

Dr. Peter K. Rogan Lab, Western University
No classification provided (evidence only). Condition: Papillary renal cell carcinoma type 1. Review status: no classification provided. Collection method: in vitro. Allele origin: not applicable. Functional consequence: retained intron. Not counted in ClinVar's aggregate classification.

Dr. Peter K. Rogan Lab, Western University
No classification provided (evidence only). Condition: Papillary renal cell carcinoma type 1. Review status: no classification provided. Collection method: in vitro. Allele origin: not applicable. Functional consequence: retained intron. Not counted in ClinVar's aggregate classification.

Dr. Peter K. Rogan Lab, Western University
No classification provided (evidence only). Condition: Papillary renal cell carcinoma type 1. Review status: no classification provided. Collection method: in vitro. Allele origin: not applicable. Functional consequence: retained intron. Not counted in ClinVar's aggregate classification.

Dr. Peter K. Rogan Lab, Western University
No classification provided (evidence only). Condition: Papillary renal cell carcinoma type 1. Review status: no classification provided. Collection method: in vitro. Allele origin: not applicable. Functional consequence: retained intron. Not counted in ClinVar's aggregate classification.

Dr. Peter K. Rogan Lab, Western University
No classification provided (evidence only). Condition: Papillary renal cell carcinoma type 1. Review status: no classification provided. Collection method: in vitro. Allele origin: not applicable. Functional consequence: skipped exon, retained intron. Not counted in ClinVar's aggregate classification.

Dr. Peter K. Rogan Lab, Western University
No classification provided (evidence only). Condition: Melanoma. Review status: no classification provided. Collection method: in vitro. Allele origin: not applicable. Functional consequence: skipped exon. Not counted in ClinVar's aggregate classification.

Dr. Peter K. Rogan Lab, Western University
No classification provided (evidence only). Condition: Gastric cancer. Review status: no classification provided. Collection method: in vitro. Allele origin: not applicable. Functional consequence: retained intron. Not counted in ClinVar's aggregate classification.

Dr. Peter K. Rogan Lab, Western University
No classification provided (evidence only). Condition: Malignant tumor of esophagus. Review status: no classification provided. Collection method: in vitro. Allele origin: not applicable. Functional consequence: skipped exon, retained intron. Not counted in ClinVar's aggregate classification.

Dr. Peter K. Rogan Lab, Western University
No classification provided (evidence only). Condition: Malignant tumor of esophagus. Review status: no classification provided. Collection method: in vitro. Allele origin: not applicable. Functional consequence: retained intron. Not counted in ClinVar's aggregate classification.

Laboratory of Diagnostic Genome Analysis, Leiden University Medical Center (LUMC)
Classification: Likely benign. Review status: no assertion criteria provided. Collection method: clinical testing. Allele origin: germline. Affected: yes. Study: VKGL Data-share Consensus. Not counted in ClinVar's aggregate classification.

NM_004577.4(PSPH):c.275+1del

Gene: PSPH (phosphoserine phosphatase; minus strand). Cytogenetic location: 7p11.2.
Variant type: Deletion.
Coding change: c.275+1del on transcript NM_004577.4 (MANE Select); the canonical splice donor site of the intron after coding-DNA position 275, one base deleted (G; older notation c.275+1delG).
Molecular consequence: splice donor variant.
Genome position (GRCh38, 1-based): chr7:56,019,599, C deleted on the plus strand (G on the coding strand, the reverse complement: PSPH is on the minus strand); the first of 2 consecutive C bases (chr7:56,019,599-56,019,600); deleting either gives the same sequence. VCF-style (leftmost placement, unchanged base first): chr7-56019598-AC-A. GRCh37 (hg19) VCF-style: chr7-56087291-AC-A.
Other names: NC_000007.13:g.56087293del; c.275+1del (NM_001370519.1, NM_001370507.1, NM_001370521.1 and 17 more transcripts); c.275del (NM_004577.4).
Identifiers: ClinVar variation 403351 (VCV000403351.10), dbSNP rs139106189, ClinGen allele CA4268723.